The following is an entry in ClinVar:

NM_001267550.2(TTN):c.7553T>C (p.Ile2518Thr)

Gene: TTN (titin; minus strand). Cytogenetic location: 2q31.2.
Variant type: single nucleotide variant.
Coding change: c.7553T>C on transcript NM_001267550.2 (MANE Select); coding-DNA position 7553, T replaced by C.
Protein change: p.Ile2518Thr; replaces isoleucine 2518 with threonine.
Molecular consequence: missense variant.
Genome position (GRCh38, 1-based): chr2:178,773,503, A>G on the plus strand (T>C on the coding strand, the complement: TTN is on the minus strand). VCF-style: chr2-178773503-A-G. GRCh37 (hg19) VCF-style: chr2-179638230-A-G.
Other names: c.7553T>C, p.Ile2518Thr (NM_001256850.1, NM_133378.4, NM_133379.5); c.7415T>C, p.Ile2472Thr (NM_003319.4, NM_133432.3, NM_133437.4); short protein forms I2472T, I2518T.
Identifiers: ClinVar variation 1313411 (VCV001313411.4), dbSNP rs1319910280, ClinGen allele CA349679901.

ClinVar aggregate classification (germline): Conflicting classifications of pathogenicity. Review status: criteria provided, conflicting classifications (1 of 4 stars). 2 submissions from 2 submitters: Uncertain significance (1); Likely benign (1). Last evaluated 2022-03-18.

Conditions:
Cardiomyopathy (CMYO). Also called: Cardiomyopathies. Identifiers: Orphanet 167848, MedGen C0878544, MONDO:0004994, HP:0001638. Inheritance: Various modes of inheritance.

Allele frequency attached by ClinVar (database versions not stated): gnomAD exomes below 0.00001; TOPMed below 0.00001; gnomAD 0.00001.
gnomAD v4.1: 4 of 1,613,964 alleles (0.00025%); highest among the groups gnomAD compares: Admixed American, 0.0033%; no homozygotes.

Submissions (2):

CHEO Genetics Diagnostic Laboratory, Children's Hospital of Eastern Ontario
Classification: Likely benign for Cardiomyopathy. Last evaluated: 2022-03-18. Review status: criteria provided, single submitter. Criteria: ACMG Guidelines, 2015. Collection method: clinical testing. Allele origin: germline.

GeneDx
Classification: Uncertain significance. Last evaluated: 2020-10-15. Review status: criteria provided, single submitter. Criteria: GeneDx Variant Classification Process June 2021. Collection method: clinical testing. Allele origin: germline. Affected: yes.
Comment: Not observed at a significant frequency in large population cohorts (Lek et al., 2016); Missense variant in a gene in which most reported pathogenic variants are truncating/loss-of-function; Has not been previously published as pathogenic or benign to our knowledge